The following is an entry in ClinVar:

NM_001352027.3(PHF21A):c.1495G>A (p.Gly499Ser)

Gene: PHF21A (PHD finger protein 21A; minus strand). Cytogenetic location: 11p11.2.
Variant type: single nucleotide variant.
Coding change: c.1495G>A on transcript NM_001352027.3 (MANE Select); coding-DNA position 1495, G replaced by A.
Protein change: p.Gly499Ser; replaces glycine 499 with serine.
Molecular consequence: missense variant. On other transcripts: non-coding transcript variant (2), intron variant (1).
Genome position (GRCh38, 1-based): chr11:45,938,270, C>T on the plus strand (G>A on the coding strand, the complement: PHF21A is on the minus strand). VCF-style: chr11-45938270-C-T. GRCh37 (hg19) VCF-style: chr11-45959821-C-T.
Other names: c.1492G>A, p.Gly498Ser (NM_001101802.3); c.1495G>A, p.Gly499Ser (NM_001352025.3, NM_001352026.3, NM_001441170.1); c.1354G>A, p.Gly452Ser (NM_001352028.1, NM_001352029.1, NM_016621.5); c.1351G>A, p.Gly451Ser (NM_001352030.3, NM_001352031.3, NM_001352032.3); c.1516G>A, p.Gly506Ser (NM_001441167.1, NM_001441168.1); c.1513G>A, p.Gly505Ser (NM_001441169.1); c.1243G>A, p.Gly415Ser (NM_001441172.1); c.1450-1701G>A (NM_001441171.1); short protein forms G499S, G506S, G452S, G451S, G498S, G505S, G415S.
Identifiers: ClinVar variation 5009300 (VCV005009300.1).

ClinVar aggregate classification (germline): Uncertain significance (1 of 4 stars; one submission).

Submission:

GeneDx
Classification: Uncertain significance. Last evaluated: 2026-03-19. Review status: criteria provided, single submitter. Criteria: GeneDx Variant Classification Process June 2021. Collection method: clinical testing. Allele origin: germline.
Comment: Not observed at significant frequency in large population cohorts (gnomAD); In silico analysis supports that this missense variant has a deleterious effect on protein structure/function; Has not been previously published as pathogenic or benign to our knowledge